The following is an entry in ClinVar:

ClinVar aggregate classification (germline): Uncertain significance (1 of 4 stars; one submission).

Submission:

Athena Diagnostics
Classification: Uncertain significance. Last evaluated: 2024-06-03. Review status: criteria provided, single submitter. Criteria: Athena Diagnostics Criteria. Collection method: clinical testing. Allele origin: unknown.
Comment: Available data are insufficient to determine the clinical significance of the variant at this time. The frequency of this variant in the general population is uninformative in assessment of its pathogenicity. Polyphen and MutationTaster predict this amino acid change may be benign.

NM_182961.4(SYNE1):c.2147G>C (p.Cys716Ser)

Gene: SYNE1 (spectrin repeat containing nuclear envelope protein 1; minus strand). Cytogenetic location: 6q25.2.
Variant type: single nucleotide variant.
Coding change: c.2147G>C on transcript NM_182961.4 (MANE Select); coding-DNA position 2147, G replaced by C.
Protein change: p.Cys716Ser; replaces cysteine 716 with serine.
Molecular consequence: missense variant.
Genome position (GRCh38, 1-based): chr6:152,462,841, C>G on the plus strand (G>C on the coding strand, the complement: SYNE1 is on the minus strand). VCF-style: chr6-152462841-C-G. GRCh37 (hg19) VCF-style: chr6-152783976-C-G.
Other names: c.2168G>C, p.Cys723Ser (NM_033071.5); short protein forms C723S, C716S.
Identifiers: ClinVar variation 3571829 (VCV003571829.1).
Genomic context (GRCh38, chr6:152,462,841, plus strand): 5'-TCTAAGGGTTCAGAAAGTTTCTTATGGGCTTCCGTTGCAAAAGCAGACAGGGTAACAACA[C>G]AGTCTGTGTATTCCTTCTTCATTCTGTCCATCTCATCAGCTTGAGCATACTGTTAAGGAA-3'
Protein context (NP_892006.3, residues 706-726): MDRMKKEYTD[Cys716Ser]VVTLSAFATE